The following is an entry in ClinVar:

NM_001130823.3(DNMT1):c.184T>C (p.Cys62Arg)

Gene: DNMT1 (DNA methyltransferase 1; minus strand). Cytogenetic location: 19p13.2.
Variant type: single nucleotide variant.
Coding change: c.184T>C on transcript NM_001130823.3 (MANE Select); coding-DNA position 184, T replaced by C.
Protein change: p.Cys62Arg; replaces cysteine 62 with arginine.
Molecular consequence: missense variant. On other transcripts: 5 prime UTR variant (1).
Genome position (GRCh38, 1-based): chr19:10,180,819, A>G on the plus strand (T>C on the coding strand, the complement: DNMT1 is on the minus strand). VCF-style: chr19-10180819-A-G. GRCh37 (hg19) VCF-style: chr19-10291495-A-G.
Other names: c.184T>C, p.Cys62Arg (NM_001318730.2, NM_001379.4); c.-140T>C (NM_001318731.2); short protein forms C62R.
Identifiers: ClinVar variation 3012230 (VCV003012230.3), dbSNP rs2513894358, ClinGen allele CA403947111.

ClinVar aggregate classification (germline): Uncertain significance (1 of 4 stars; one submission).

Conditions:
Hereditary sensory neuropathy-deafness-dementia syndrome. Also called: Hereditary Sensory and Autonomic Neuropathy Type 1E (HSAN1E); Hereditary sensory neuropathy type IE; NEUROPATHY, HEREDITARY SENSORY, WITH HEARING LOSS AND DEMENTIA; HSN IE. Identifiers: Orphanet 456318, MedGen C3279885, MONDO:0013584, OMIM 614116.

Submission:

Labcorp Genetics (formerly Invitae), Labcorp
Classification: Uncertain significance for Hereditary sensory neuropathy-deafness-dementia syndrome. Last evaluated: 2023-11-24. Review status: criteria provided, single submitter. Criteria: Invitae Variant Classification Sherloc (09022015). Collection method: clinical testing. Allele origin: germline.
Comment: This sequence change replaces cysteine, which is neutral and slightly polar, with arginine, which is basic and polar, at codon 62 of the DNMT1 protein (p.Cys62Arg). This variant is not present in population databases (gnomAD no frequency). This variant has not been reported in the literature in individuals affected with DNMT1-related conditions. Advanced modeling of protein sequence and biophysical properties (such as structural, functional, and spatial information, amino acid conservation, physicochemical variation, residue mobility, and thermodynamic stability) performed at Invitae indicates that this missense variant is not expected to disrupt DNMT1 protein function with a negative predictive value of 95%. In summary, the available evidence is currently insufficient to determine the role of this variant in disease. Therefore, it has been classified as a Variant of Uncertain Significance.